The following is an entry in ClinVar:

ClinVar aggregate classification (germline): Uncertain significance (1 of 4 stars; one submission).

gnomAD v4.1: 1 of 1,614,004 alleles (0.000062%); highest among the groups gnomAD compares: African/African-American, 0.0013%; no homozygotes.

Submission:

GeneDx
Classification: Uncertain significance. Last evaluated: 2024-04-30. Review status: criteria provided, single submitter. Criteria: GeneDx Variant Classification Process June 2021. Collection method: clinical testing. Allele origin: germline. Affected: yes.
Comment: Not observed at significant frequency in large population cohorts (gnomAD); In silico analysis supports that this missense variant has a deleterious effect on protein structure/function; Has not been previously published as pathogenic or benign to our knowledge

NM_006922.4(SCN3A):c.4226C>T (p.Ala1409Val)

Gene: SCN3A (sodium voltage-gated channel alpha subunit 3; minus strand). Cytogenetic location: 2q24.3.
Variant type: single nucleotide variant.
Coding change: c.4226C>T on transcript NM_006922.4 (MANE Select); coding-DNA position 4226, C replaced by T.
Protein change: p.Ala1409Val; replaces alanine 1409 with valine.
Molecular consequence: missense variant.
Genome position (GRCh38, 1-based): chr2:165,097,265, G>A on the plus strand (C>T on the coding strand, the complement: SCN3A is on the minus strand). VCF-style: chr2-165097265-G-A. GRCh37 (hg19) VCF-style: chr2-165953775-G-A.
Other names: c.4079C>T, p.Ala1360Val (NM_001081676.2, NM_001081677.2); short protein forms A1360V, A1409V.
Identifiers: ClinVar variation 3373243 (VCV003373243.1).